The following is an entry in ClinVar:

ClinVar aggregate classification (germline): Uncertain significance. Review status: criteria provided, multiple submitters, no conflicts (2 of 4 stars). 2 submissions from 2 submitters: Uncertain significance (2). Last evaluated 2025-10-30.

Submissions (2):

GeneDx
Classification: Uncertain significance. Last evaluated: 2025-10-30. Review status: criteria provided, single submitter. Criteria: GeneDx Variant Classification Process June 2021. Collection method: clinical testing. Allele origin: germline.
Comment: Not observed at significant frequency in large population cohorts (gnomAD); In silico analysis suggests that this variant does not alter protein structure/function; Has not been previously published as pathogenic or benign to our knowledge

Labcorp Genetics (formerly Invitae), Labcorp
Classification: Uncertain significance. Last evaluated: 2022-08-23. Review status: criteria provided, single submitter. Criteria: Invitae Variant Classification Sherloc (09022015). Collection method: clinical testing. Allele origin: germline.
Comment: This sequence change replaces proline, which is neutral and non-polar, with phenylalanine, which is neutral and non-polar, at codon 1985 of the CACNA1B protein (p.Pro1985Phe). Information on the frequency of this variant in the gnomAD database is not available, as this variant may be reported differently in the database. This variant has not been reported in the literature in individuals affected with CACNA1B-related conditions. Algorithms developed to predict the effect of missense changes on protein structure and function are either unavailable or do not agree on the potential impact of this missense change (SIFT: "Not Available"; PolyPhen-2: "Possibly Damaging"; Align-GVGD: "Not Available"). In summary, the available evidence is currently insufficient to determine the role of this variant in disease. Therefore, it has been classified as a Variant of Uncertain Significance.

NM_000718.4(CACNA1B):c.5953_5954delinsTT (p.Pro1985Phe)

Gene: CACNA1B (calcium voltage-gated channel subunit alpha1 B; plus strand). Cytogenetic location: 9q34.3.
Variant type: Indel.
Coding change: c.5953_5954delinsTT on transcript NM_000718.4 (MANE Select); coding-DNA positions 5953 to 5954, CC replaced by TT.
Protein change: p.Pro1985Phe; replaces proline 1985 with phenylalanine.
Molecular consequence: missense variant.
Genome position (GRCh38, 1-based): chr9:138,118,691-138,118,692, CC replaced by TT. VCF-style: chr9-138118691-CC-TT. GRCh37 (hg19) VCF-style: chr9-141013143-CC-TT.
Other names: c.5953_5954delinsTT, p.Pro1985Phe (NM_001243812.2); c.5953_5954delinsTT (NM_000718.3); short protein forms P1985F.
Identifiers: ClinVar variation 2418244 (VCV002418244.5), dbSNP rs2539609465, ClinGen allele CA2580081063.